The following is an entry in ClinVar:

ClinVar aggregate classification (germline): Pathogenic (1 of 4 stars; one submission).

Conditions:
Hypophosphatemic rickets. Identifiers: MedGen C1704375, MeSH D063730, MONDO:0024300, HP:0004912.

Submission:

Laboratory of Cyto-molecular Genetics, Department of Anatomy, All India Institute of Medical Sciences (AIIMS), New Delhi
Classification: Pathogenic for Hypophosphatemic rickets. Review status: criteria provided, single submitter. Criteria: ACMG Guidelines, 2015. Collection method: clinical testing. Allele origin: de novo. Affected: yes. Observed: 1 variant allele.
Comment: p.(Phe446*); premature termination codon (PTC) formation

Literature cited by the submitters: PubMed 35738466.

NM_000444.6(PHEX):c.1336_1337insAATA (p.Phe446Ter)

Gene: PHEX (phosphate regulating endopeptidase X-linked; plus strand). Cytogenetic location: Xp22.11.
Variant type: Insertion.
Coding change: c.1336_1337insAATA on transcript NM_000444.6 (MANE Select); coding-DNA positions 1336 to 1337, AATA inserted.
Protein change: p.Phe446Ter; replaces phenylalanine 446 with a stop codon.
Molecular consequence: nonsense.
Genome position: GRCh38 VCF-style: chrX-22133556-T-TAATA. GRCh37 (hg19) VCF-style: chrX-22151673-T-TAATA.
Other names: c.1336_1337insAATA, p.Phe446Ter (NM_001282754.2); short protein forms F446*.
Identifiers: ClinVar variation 1339443 (VCV001339443.3), dbSNP rs2147086429, ClinGen allele CA2573055214.
Genomic context (GRCh38, chrX:22,133,556, plus strand): 5'-GTTCCCTCTTTGGGTATTTTCTTGTAGATGGAGGAATTGGTTGAGGGCGTTCGCTGGGCC[T>TAATA]TTATTGACATGCTAGAGAAAGAAAATGAGTGGATGGATGCAGGAACGAAAAGGAAAGCCA-3'